The following is an entry in ClinVar:

ClinVar aggregate classification (germline): Conflicting classifications of pathogenicity. Review status: criteria provided, conflicting classifications (1 of 4 stars). 6 submissions from 6 submitters: Uncertain significance (1); Likely benign (5). Last evaluated 2026-01-21.

Conditions:
Familial thoracic aortic aneurysm and aortic dissection (TAAD). Also called: Thoracic aortic aneurysms and dissections. Identifiers: Orphanet 91387, MedGen C4707243, MONDO:0019625.

Allele frequency attached by ClinVar (database versions not stated): TOPMed 0.00002; ESP Exome Variant Server 0.00008; gnomAD exomes 0.00012; ExAC 0.00024.
gnomAD v4.1: 59 of 1,613,940 alleles (0.0037%); highest among the groups gnomAD compares: Non-Finnish European, 0.0047%; no homozygotes.

Submissions (6):

Labcorp Genetics (formerly Invitae), Labcorp
Classification: Likely benign for Familial thoracic aortic aneurysm and aortic dissection. Last evaluated: 2026-01-21. Review status: criteria provided, single submitter. Criteria: Invitae Variant Classification Sherloc (09022015). Collection method: clinical testing. Allele origin: germline.

GeneDx
Classification: Uncertain significance. Last evaluated: 2024-06-10. Review status: criteria provided, single submitter. Criteria: GeneDx Variant Classification Process June 2021. Collection method: clinical testing. Allele origin: germline. Affected: yes.
Comment: In silico analysis supports that this missense variant has a deleterious effect on protein structure/function; Identified in patient with Marfan syndrome who also harbored a variant in the FBN1 gene (PMID: 30087447); This variant is associated with the following publications: (PMID: 30087447)

Color Diagnostics, LLC DBA Color Health
Classification: Likely benign for Familial thoracic aortic aneurysm and aortic dissection. Last evaluated: 2023-04-05. Review status: criteria provided, single submitter. Criteria: ACMG Guidelines, 2015. Collection method: clinical testing. Allele origin: germline.

Blueprint Genetics
Classification: Likely benign. Last evaluated: 2022-08-05. Review status: criteria provided, single submitter. Criteria: ACMG Guidelines, 2015. Collection method: clinical testing. Allele origin: germline.

Women's Health and Genetics/Laboratory Corporation of America, LabCorp
Classification: Likely benign. Last evaluated: 2021-12-06. Review status: criteria provided, single submitter. Criteria: LabCorp Variant Classification Summary - May 2015. Collection method: clinical testing. Allele origin: germline.
Comment: Variant summary: TGFBR1 c.470G>C (p.Arg157Pro) results in a non-conservative amino acid change in the encoded protein sequence. Three of five in-silico tools predict a damaging effect of the variant on protein function. The variant allele was found at a frequency of 0.00012 in 251070 control chromosomes, predominantly at a frequency of 0.00026 within the Non-Finnish European subpopulation in the gnomAD database. The observed variant frequency within Non-Finnish European control individuals in the gnomAD database is approximately 139-fold of the estimated maximal expected allele frequency for a pathogenic variant in TGFBR1 causing Loeys-Dietz Syndrome phenotype (1.9e-06), strongly suggesting that the variant is a benign polymorphism found primarily in populations of Non-Finnish European origin. c.470G>C has been reported in the literature in an individual affected with Marfan Syndrome (Aubart_2018). This report does not provide unequivocal conclusions about association of the variant with Loeys-Dietz Syndrome. To our knowledge, no experimental evidence demonstrating an impact on protein function has been reported. Two ClinVar submitters have assessed this variant since 2014: one classified the variant as likely benign and one as uncertain significance. Based on the evidence outlined above, the variant was classified as likely benign.

Ambry Genetics
Classification: Likely benign for Familial thoracic aortic aneurysm and aortic dissection. Last evaluated: 2019-12-10. Review status: criteria provided, single submitter. Criteria: Ambry Variant Classification Scheme 2023. Collection method: clinical testing. Allele origin: germline.

Literature cited by the submitters: PubMed 30087447 (cited by Women's Health and Genetics/Laboratory Corporation of America, LabCorp).

NM_004612.4(TGFBR1):c.470G>C (p.Arg157Pro)

Gene: TGFBR1 (transforming growth factor beta receptor 1; plus strand). Cytogenetic location: 9q22.33.
Variant type: single nucleotide variant.
Coding change: c.470G>C on transcript NM_004612.4 (MANE Select); coding-DNA position 470, G replaced by C.
Protein change: p.Arg157Pro; replaces arginine 157 with proline.
Molecular consequence: missense variant. On other transcripts: intron variant (1).
Genome position (GRCh38, 1-based): chr9:99,132,635, G>C. VCF-style: chr9-99132635-G-C. GRCh37 (hg19) VCF-style: chr9-101894917-G-C.
Other names: c.470G>C (NM_004612.3, NM_004612.2); c.482G>C, p.Arg161Pro (NM_001306210.2); c.343+3535G>C (NM_001130916.3); short protein forms R157P, R161P.
Identifiers: ClinVar variation 925578 (VCV000925578.20), dbSNP rs147146713, ClinGen allele CA042129.